The following is an entry in ClinVar:

NM_000051.4(ATM):c.103C>A (p.Arg35=)

Gene: ATM (ATM serine/threonine kinase; plus strand). Cytogenetic location: 11q22.3.
Variant type: single nucleotide variant.
Coding change: c.103C>A on transcript NM_000051.4 (MANE Select); coding-DNA position 103, C replaced by A.
Protein change: p.Arg35=; no amino-acid change (arginine 35 retained).
Molecular consequence: synonymous variant.
Genome position (GRCh38, 1-based): chr11:108,227,806, C>A. VCF-style: chr11-108227806-C-A. GRCh37 (hg19) VCF-style: chr11-108098533-C-A.
Other names: NP_000042.3:p.Arg35=; c.103C>A, p.Arg35= (NM_001351834.2, NM_001351835.2, NM_001351836.2).
Identifiers: ClinVar variation 183805 (VCV000183805.77), dbSNP rs55861249, ClinGen allele CA186547.

ClinVar aggregate classification (germline): Benign/Likely benign. Review status: criteria provided, multiple submitters, no conflicts (2 of 4 stars). 16 submissions from 16 submitters: Benign (3); Likely benign (12). 1 of the submissions does not count toward it. Last evaluated 2026-01-28.

Conditions:
Breast and/or ovarian cancer. Identifiers: MedGen CN221562.
Hereditary cancer-predisposing syndrome. Also called: Tumor predisposition; Neoplastic Syndromes, Hereditary; Hereditary Cancer Syndrome; Hereditary neoplastic syndrome. Identifiers: Orphanet 140162, MedGen C0027672, MeSH D009386, MONDO:0015356.
Hereditary breast ovarian cancer syndrome. Also called: Hereditary breast and ovarian cancer; Hereditary breast and ovarian cancer syndrome (HBOC); Breast and ovarian cancer; Hereditary breast and/or ovarian cancer syndrome; BRCA1- and BRCA2-Associated Hereditary Breast and Ovarian Cancer; Hereditary breast and ovarian cancer syndrome. Identifiers: Orphanet 145, MedGen C0677776, MeSH D061325, MONDO:0003582. Disease mechanism: loss of function.
Familial cancer of breast. Also called: hereditary breast carcinoma; BREAST CANCER, FAMILIAL; Hereditary breast cancer. Identifiers: Orphanet 227535, MedGen C0346153, MONDO:0016419, OMIM 114480. Disease mechanism: loss of function.
Ataxia-telangiectasia syndrome (AT). Also called: LOUIS-BAR SYNDROME; Ataxia-telangiectasia, complementation group D; Ataxia telangiectasia (A-T); AT, COMPLEMENTATION GROUP C; ATAXIA-TELANGIECTASIA, COMPLEMENTATION GROUP A; ATAXIA-TELANGIECTASIA, FRESNO VARIANT. Identifiers: Orphanet 100, MedGen C0004135, MONDO:0008840, OMIM 208900.

Allele frequency attached by ClinVar (database versions not stated): TOPMed 0.00030; gnomAD 0.00032.
gnomAD v4.1: 78 of 1,613,574 alleles (0.0048%); highest among the groups gnomAD compares: African/African-American, 0.079%; no homozygotes.

Submissions (16):

Labcorp Genetics (formerly Invitae), Labcorp
Classification: Likely benign for Ataxia-telangiectasia syndrome. Last evaluated: 2026-01-28. Review status: criteria provided, single submitter. Criteria: Invitae Variant Classification Sherloc (09022015). Collection method: clinical testing. Allele origin: germline.

Women's Health and Genetics/Laboratory Corporation of America, LabCorp
Classification: Benign. Last evaluated: 2025-12-04. Review status: criteria provided, single submitter. Criteria: LabCorp Variant Classification Summary - May 2015. Collection method: clinical testing. Allele origin: germline.
Comment: Variant summary: ATM c.103C>A alters a conserved nucleotide resulting in a synonymous change. Consensus agreement among computation tools predict no significant impact on normal splicing. However, these predictions have yet to be confirmed by functional studies. The variant allele was found at a frequency of 7.2e-05 in 251230 control chromosomes, predominantly at a frequency of 0.0008 within the African or African-American subpopulation in the gnomAD database. The observed variant frequency within African or African-American control individuals in the gnomAD database exceeds the estimated maximal expected allele frequency for disease-causing variants in ATM. c.103C>A has been observed in at least one individual affected with Breast Cancer, without strong evidence of causality (example: Bernstein_2010). This report does not provide unequivocal conclusions about association of the variant with Breast Cancer. To our knowledge, no experimental evidence demonstrating an impact on protein function has been reported. The following publications have been ascertained in the context of this evaluation (PMID: 20305132, 12673804). ClinVar contains an entry for this variant (Variation ID: 183805). Based on the evidence outlined above, the variant was classified as benign.

Blueprint Genetics
Classification: Likely benign. Last evaluated: 2024-11-13. Review status: criteria provided, single submitter. Criteria: ACMG Guidelines, 2015. Collection method: clinical testing. Allele origin: germline.

Department of Pathology and Laboratory Medicine, Sinai Health System
Classification: Likely benign for Familial cancer of breast. Last evaluated: 2024-06-18. Review status: criteria provided, single submitter. Criteria: ACMG Guidelines, 2015. Collection method: clinical testing. Allele origin: germline. Affected: yes.

Myriad Genetics, Inc.
Classification: Benign for Familial cancer of breast. Last evaluated: 2024-04-17. Review status: criteria provided, single submitter. Criteria: Myriad Autosomal Dominant, Autosomal Recessive and X-Linked Classification Criteria (2023). Collection method: clinical testing. Allele origin: unknown.
Comment: This variant is considered benign. This variant is a silent/synonymous amino acid change and it is not expected to impact splicing.

KCCC/NGS Laboratory, Kuwait Cancer Control Center
Classification: Likely benign for Familial cancer of breast. Last evaluated: 2023-07-07. Review status: criteria provided, single submitter. Criteria: ACMG Guidelines, 2015. Collection method: clinical testing. Allele origin: germline. Affected: yes.

National Health Laboratory Service, Universitas Academic Hospital and University of the Free State
Classification: Likely benign for Hereditary breast ovarian cancer syndrome. Last evaluated: 2022-04-19. Review status: criteria provided, single submitter. Criteria: ACMG Guidelines, 2015. Collection method: clinical testing. Allele origin: germline. Affected: yes. Observed: 1 variant allele.

CHEO Genetics Diagnostic Laboratory, Children's Hospital of Eastern Ontario
Classification: Likely benign for Breast and/or ovarian cancer. Last evaluated: 2022-04-06. Review status: criteria provided, single submitter. Criteria: ACMG Guidelines, 2015. Collection method: clinical testing. Allele origin: germline.

Sema4
Classification: Likely benign for Hereditary cancer-predisposing syndrome. Last evaluated: 2020-11-30. Review status: criteria provided, single submitter. Criteria: Sema4 Curation Guidelines. Collection method: curation. Allele origin: germline.

Genetic Services Laboratory, University of Chicago
Classification: Likely benign. Last evaluated: 2020-07-15. Review status: criteria provided, single submitter. Criteria: ACMG Guidelines, 2015. Collection method: clinical testing. Allele origin: germline. Affected: no.

CeGaT Center for Human Genetics Tuebingen
Classification: Likely benign. Last evaluated: 2019-04-01. Review status: criteria provided, single submitter. Criteria: CeGaT Center For Human Genetics Tuebingen Variant Classification Criteria Version 2. Collection method: clinical testing. Allele origin: germline. Affected: yes. Observed: 1 variant allele.

Color Diagnostics, LLC DBA Color Health
Classification: Likely benign for Hereditary cancer-predisposing syndrome. Last evaluated: 2015-08-17. Review status: criteria provided, single submitter. Criteria: ACMG Guidelines, 2015. Collection method: clinical testing. Allele origin: germline.

GeneDx
Classification: Benign. Last evaluated: 2015-03-03. Review status: criteria provided, single submitter. Criteria: GeneDx Variant Classification Process June 2021. Collection method: clinical testing. Allele origin: germline. Affected: yes.

Ambry Genetics
Classification: Likely benign for Hereditary cancer-predisposing syndrome. Last evaluated: 2014-11-25. Review status: criteria provided, single submitter. Criteria: Ambry Variant Classification Scheme 2023. Collection method: clinical testing. Allele origin: germline.

PreventionGenetics, part of Exact Sciences
Classification: Likely benign. Review status: criteria provided, single submitter. Criteria: ACMG Guidelines, 2015. Collection method: clinical testing. Allele origin: germline.

Natera, Inc.
Classification: Likely benign for Ataxia-telangiectasia. Last evaluated: 2020-09-16. Review status: no assertion criteria provided. Collection method: clinical testing. Allele origin: germline. Not counted in ClinVar's aggregate classification.

Literature cited by the submitters: PubMed 20305132 (cited by 3 submitters); PubMed 12673804 (cited by 3 submitters).